The following is an entry in ClinVar:

NM_004807.3(HS6ST1):c.3GCG[5] (p.Arg5_Ala6insArg)

Gene: HS6ST1 (heparan sulfate 6-O-sulfotransferase 1; minus strand). Cytogenetic location: 2q14.3.
Variant type: Microsatellite.
Coding change: c.3GCG[5] on transcript NM_004807.3 (MANE Select); five copies in a row of the 3-base unit GCG starting at c.3; the reference has four copies in a row; one copy, 3 bases duplicated.
Protein change: p.Arg5_Ala6insArg.
Molecular consequence: inframe insertion, initiator codon variant.
Genome position (GRCh38, 1-based): chr2:128,318,550-128,318,552, CGC duplicated on the plus strand (GCG on the coding strand, the reverse complement: HS6ST1 is on the minus strand); duplicating any 3 consecutive bases within chr2:128,318,550-128,318,561 gives the same sequence; the position shown is the placement nearest the transcript's 3' end. VCF-style (leftmost placement, unchanged base first): chr2-128318549-G-GCGC. GRCh37 (hg19) VCF-style: chr2-129076123-G-GCGC.
Identifiers: ClinVar variation 2197608 (VCV002197608.5), dbSNP rs1407183142, ClinGen allele CA428787500.

ClinVar aggregate classification (germline): Uncertain significance (1 of 4 stars; one submission).

Submission:

Labcorp Genetics (formerly Invitae), Labcorp
Classification: Uncertain significance. Last evaluated: 2022-08-21. Review status: criteria provided, single submitter. Criteria: Invitae Variant Classification Sherloc (09022015). Collection method: clinical testing. Allele origin: germline.
Comment: In summary, the available evidence is currently insufficient to determine the role of this variant in disease. Therefore, it has been classified as a Variant of Uncertain Significance. This variant has not been reported in the literature in individuals affected with HS6ST1-related conditions. This variant is not present in population databases (gnomAD no frequency). This variant, c.12_14dup, results in the insertion of 1 amino acid(s) of the HS6ST1 protein (p.Arg5dup), but otherwise preserves the integrity of the reading frame.